The following is an entry in ClinVar:

ClinVar aggregate classification (germline): Uncertain significance. Review status: criteria provided, multiple submitters, no conflicts (2 of 4 stars). 2 submissions from 2 submitters: Uncertain significance (2). Last evaluated 2023-02-17.

Submissions (2):

GeneDx
Classification: Uncertain significance. Last evaluated: 2023-02-17. Review status: criteria provided, single submitter. Criteria: GeneDx Variant Classification Process June 2021. Collection method: clinical testing. Allele origin: germline. Affected: yes.
Comment: Not observed at significant frequency in large population cohorts (gnomAD); In silico analysis supports that this missense variant has a deleterious effect on protein structure/function; Has not been previously published as pathogenic or benign to our knowledge

Athena Diagnostics
Classification: Uncertain significance. Last evaluated: 2018-10-30. Review status: criteria provided, single submitter. Criteria: Athena Diagnostics Criteria. Collection method: clinical testing. Allele origin: germline.

NM_024665.7(TBL1XR1):c.1174A>G (p.Lys392Glu)

Gene: TBL1XR1 (TBL1X/Y related 1; minus strand). Cytogenetic location: 3q26.32.
Variant type: single nucleotide variant.
Coding change: c.1174A>G on transcript NM_024665.7 (MANE Select); coding-DNA position 1174, A replaced by G.
Protein change: p.Lys392Glu; replaces lysine 392 with glutamic acid.
Molecular consequence: missense variant.
Genome position (GRCh38, 1-based): chr3:177,034,274, T>C on the plus strand (A>G on the coding strand, the complement: TBL1XR1 is on the minus strand). VCF-style: chr3-177034274-T-C. GRCh37 (hg19) VCF-style: chr3-176752062-T-C.
Other names: c.1174A>G, p.Lys392Glu (NM_001321193.3, NM_001321194.3, NM_001374327.1 and 2 more transcripts); c.913A>G, p.Lys305Glu (NM_001321195.3, NM_001374330.1); c.1174A>G (NM_024665.4); short protein forms K305E, K392E.
Identifiers: ClinVar variation 805624 (VCV000805624.2), dbSNP rs1576982869, ClinGen allele CA355554739.
Genomic context (GRCh38, chr3:177,034,274, plus strand): 5'-TGGCATTTGGATTATTAGTCCCTGGTCCTGTTGGACTCCATTTGATAGTATAAATTTCTT[T>C]ATTATGTGCTTGCAAATCATGGACACAATTGTCTTGTTTCATACTCCATATCTAAACAAA-3'
Protein context (NP_078941.2, residues 382-402): NCVHDLQAHN[Lys392Glu]EIYTIKWSPT